The following is an entry in ClinVar:

NM_014251.3(SLC25A13):c.2026T>C (p.Ter676Gln)

Gene: SLC25A13 (solute carrier family 25 member 13; minus strand). Cytogenetic location: 7q21.3.
Variant type: single nucleotide variant.
Coding change: c.2026T>C on transcript NM_014251.3 (MANE Select); coding-DNA position 2026, T replaced by C.
Protein change: p.Ter676Gln.
Molecular consequence: stop lost. On other transcripts: non-coding transcript variant (1).
Genome position (GRCh38, 1-based): chr7:96,121,193, A>G on the plus strand (T>C on the coding strand, the complement: SLC25A13 is on the minus strand). VCF-style: chr7-96121193-A-G. GRCh37 (hg19) VCF-style: chr7-95750505-A-G.
Other names: c.2029T>C, p.Ter677Gln (NM_001160210.2).
Identifiers: ClinVar variation 2192407 (VCV002192407.1), dbSNP rs759865234, ClinGen allele CA162991953.

ClinVar aggregate classification (germline): Uncertain significance (1 of 4 stars; one submission).

Conditions:
Citrin deficiency. Identifiers: Orphanet 247582, MedGen C1997910, MONDO:0016602.

Allele frequency attached by ClinVar (database versions not stated): TOPMed below 0.00001.
gnomAD v4.1: 10 of 1,614,108 alleles (0.00062%); highest among the groups gnomAD compares: Admixed American, 0.0017%; no homozygotes.

Submission:

Labcorp Genetics (formerly Invitae), Labcorp
Classification: Uncertain significance for Citrin deficiency. Last evaluated: 2022-05-21. Review status: criteria provided, single submitter. Criteria: Invitae Variant Classification Sherloc (09022015). Collection method: clinical testing. Allele origin: germline.
Comment: This sequence change disrupts the translational stop signal of the SLC25A13 mRNA. It is expected to extend the length of the SLC25A13 protein by 16 additional amino acid residues. This variant is present in population databases (no rsID available, gnomAD 0.003%). This variant has not been reported in the literature in individuals affected with SLC25A13-related conditions. In summary, the available evidence is currently insufficient to determine the role of this variant in disease. Therefore, it has been classified as a Variant of Uncertain Significance.